The following is an entry in ClinVar:

NM_004082.5(DCTN1):c.2254T>C (p.Phe752Leu)

Gene: DCTN1 (dynactin subunit 1; minus strand). Cytogenetic location: 2p13.1.
Variant type: single nucleotide variant.
Coding change: c.2254T>C on transcript NM_004082.5 (MANE Select); coding-DNA position 2254, T replaced by C.
Protein change: p.Phe752Leu; replaces phenylalanine 752 with leucine.
Molecular consequence: missense variant. On other transcripts: non-coding transcript variant (1).
Genome position (GRCh38, 1-based): chr2:74,367,107, A>G on the plus strand (T>C on the coding strand, the complement: DCTN1 is on the minus strand). VCF-style: chr2-74367107-A-G. GRCh37 (hg19) VCF-style: chr2-74594234-A-G.
Other names: c.2194T>C, p.Phe732Leu (NM_001135040.3); c.1852T>C, p.Phe618Leu (NM_001135041.3, NM_023019.4); c.2143T>C, p.Phe715Leu (NM_001190836.2); c.2233T>C, p.Phe745Leu (NM_001190837.2); c.2203T>C, p.Phe735Leu (NM_001378991.1); c.2185T>C, p.Phe729Leu (NM_001378992.1); short protein forms F715L, F752L, F732L, F729L, F735L, F618L, F745L.
Identifiers: ClinVar variation 1962139 (VCV001962139.5), dbSNP rs1252476414, ClinGen allele CA347349021.

ClinVar aggregate classification (germline): Uncertain significance (1 of 4 stars; one submission).

Conditions:
Amyotrophic lateral sclerosis type 1 (ALS1). Also called: AMYOTROPHIC LATERAL SCLEROSIS 1, FAMILIAL. Identifiers: Orphanet 803, MedGen C1862939, MONDO:0007103, OMIM 105400.
Neuronopathy, distal hereditary motor, type 7B. Also called: NEURONOPATHY, DISTAL HEREDITARY MOTOR, AUTOSOMAL DOMINANT 14; NEURONOPATHY, DISTAL HEREDITARY MOTOR, HARDING TYPE VIIB; NEUROPATHY, DISTAL HEREDITARY MOTOR, HARDING TYPE VIIB; NEUROPATHY, DISTAL HEREDITARY MOTOR, WITH VOCAL CORD PARALYSIS, HARDING TYPE VIIB; HMN VIIB; LOWER MOTOR NEURON DISEASE, DYNACTIN TYPE. Identifiers: Orphanet 139589, MedGen C1843315, MONDO:0011879, OMIM 607641.
Perry syndrome. Also called: PARKINSONISM WITH ALVEOLAR HYPOVENTILATION AND MENTAL DEPRESSION. Identifiers: Orphanet 178509, MedGen C1868594, MONDO:0008201, OMIM 168605.

Allele frequency attached by ClinVar (database versions not stated): gnomAD exomes below 0.00001; TOPMed below 0.00001.
gnomAD v4.1: 1 of 1,614,182 alleles (0.000062%); highest among the groups gnomAD compares: African/African-American, 0.0013%; no homozygotes.

Submission:

Labcorp Genetics (formerly Invitae), Labcorp
Classification: Uncertain significance for Amyotrophic lateral sclerosis type 1; Neuronopathy, distal hereditary motor, type 7B; Perry syndrome. Last evaluated: 2022-09-10. Review status: criteria provided, single submitter. Criteria: Invitae Variant Classification Sherloc (09022015). Collection method: clinical testing. Allele origin: germline.
Comment: This sequence change replaces phenylalanine, which is neutral and non-polar, with leucine, which is neutral and non-polar, at codon 752 of the DCTN1 protein (p.Phe752Leu). This variant is present in population databases (no rsID available, gnomAD 0.007%). This variant has not been reported in the literature in individuals affected with DCTN1-related conditions. Algorithms developed to predict the effect of missense changes on protein structure and function are either unavailable or do not agree on the potential impact of this missense change (SIFT: "Deleterious"; PolyPhen-2: "Possibly Damaging"; Align-GVGD: "Class C15"). In summary, the available evidence is currently insufficient to determine the role of this variant in disease. Therefore, it has been classified as a Variant of Uncertain Significance.